The following is an entry in ClinVar:

ClinVar aggregate classification (germline): Uncertain significance (1 of 4 stars; one submission).

Conditions:
Familial cold autoinflammatory syndrome 2 (FCAS2). Identifiers: Orphanet 247868, MedGen C2673198, MONDO:0012724, OMIM 611762.

gnomAD v4.1: 1 of 1,613,874 alleles (0.000062%); highest among the groups gnomAD compares: Admixed American, 0.0017%; no homozygotes.

Submission:

Labcorp Genetics (formerly Invitae), Labcorp
Classification: Uncertain significance for Familial cold autoinflammatory syndrome 2. Last evaluated: 2025-03-31. Review status: criteria provided, single submitter. Criteria: Invitae Variant Classification Sherloc (09022015). Collection method: clinical testing. Allele origin: germline.
Comment: This sequence change replaces glycine, which is neutral and non-polar, with aspartic acid, which is acidic and polar, at codon 667 of the NLRP12 protein (p.Gly667Asp). This variant is present in population databases (no rsID available, gnomAD 0.003%). This variant has not been reported in the literature in individuals affected with NLRP12-related conditions. Invitae Evidence Modeling of protein sequence and biophysical properties (such as structural, functional, and spatial information, amino acid conservation, physicochemical variation, residue mobility, and thermodynamic stability) indicates that this missense variant is not expected to disrupt NLRP12 protein function with a negative predictive value of 80%. In summary, the available evidence is currently insufficient to determine the role of this variant in disease. Therefore, it has been classified as a Variant of Uncertain Significance.

NM_144687.4(NLRP12):c.2000G>A (p.Gly667Asp)

Gene: NLRP12 (NLR family pyrin domain containing 12; minus strand). Cytogenetic location: 19q13.42.
Variant type: single nucleotide variant.
Coding change: c.2000G>A on transcript NM_144687.4 (MANE Select); coding-DNA position 2000, G replaced by A.
Protein change: p.Gly667Asp; replaces glycine 667 with aspartic acid.
Molecular consequence: missense variant.
Genome position (GRCh38, 1-based): chr19:53,809,659, C>T on the plus strand (G>A on the coding strand, the complement: NLRP12 is on the minus strand). VCF-style: chr19-53809659-C-T. GRCh37 (hg19) VCF-style: chr19-54312913-C-T.
Other names: c.2000G>A, p.Gly667Asp (NM_001277126.2, NM_001277129.1); short protein forms G667D.
Identifiers: ClinVar variation 4693707 (VCV004693707.1).
Genomic context (GRCh38, chr19:53,809,659, plus strand): 5'-AGCGTGTGCGCTCCTGCGGAGCACCTCGCGCGGTCTTCCCCGTCCGCGCTGTAGGTGGCG[C>T]CATACAAGTGCAGCACCTGGGCGCTCCTGCAGCGCTTCAGACAGAACGAGGAGACCATGT-3'
Protein context (NP_653288.1, residues 657-677): CRSAQVLHLY[Gly667Asp]ATYSADGEDR